The following is an entry in ClinVar:

ClinVar aggregate classification (germline): Uncertain significance (1 of 4 stars; one submission).

gnomAD v4.1: 1 of 1,613,946 alleles (0.000062%); highest among the groups gnomAD compares: Non-Finnish European, 0.000085%; no homozygotes.

Submission:

Ambry Genetics
Classification: Uncertain significance. Last evaluated: 2026-07-14. Review status: criteria provided, single submitter. Criteria: Ambry Variant Classification Scheme 2023. Collection method: clinical testing. Allele origin: germline.
Comment: The p.Y1331S variant (also known as c.3992A>C), located in coding exon 36 of the KIF1B gene, results from an A to C substitution at nucleotide position 3992. The tyrosine at codon 1331 is replaced by serine, an amino acid with dissimilar properties. This amino acid position is conserved. In addition, this alteration is predicted to be deleterious by in silico analysis. Based on the available evidence, the clinical significance of this variant remains unclear.

NM_001365951.3(KIF1B):c.4130A>C (p.Tyr1377Ser)

Gene: KIF1B (kinesin family member 1B; plus strand). Cytogenetic location: 1p36.22.
Variant type: single nucleotide variant.
Coding change: c.4130A>C on transcript NM_001365951.3 (MANE Select); coding-DNA position 4130, A replaced by C.
Protein change: p.Tyr1377Ser; replaces tyrosine 1377 with serine.
Molecular consequence: missense variant.
Genome position (GRCh38, 1-based): chr1:10,361,003, A>C. VCF-style: chr1-10361003-A-C. GRCh37 (hg19) VCF-style: chr1-10421061-A-C.
Other names: c.4130A>C, p.Tyr1377Ser (NM_001365952.1); c.3992A>C, p.Tyr1331Ser (NM_015074.3); short protein forms Y1331S, Y1377S.
Identifiers: ClinVar variation 5023197 (VCV005023197.1).